The following is an entry in ClinVar:

NM_058216.3(RAD51C):c.965+19_965+20insTCGGAAAATAACTCCGAATAACAATATTCGGAA

Gene: RAD51C (RAD51 paralog C; plus strand). Cytogenetic location: 17q22.
Variant type: Insertion.
Coding change: c.965+19_965+20insTCGGAAAATAACTCCGAATAACAATATTCGGAA on transcript NM_058216.3 (MANE Select); bases 19 to 20 of the intron after coding-DNA position 965, TCGGAAAATAACTCCGAATAACAATATTCGGAA inserted.
Molecular consequence: intron variant.
Genome position: GRCh38: chr17:58,724,119-58,724,120. GRCh37 (hg19): chr17:56,801,480-56,801,481.
Identifiers: ClinVar variation 4721427 (VCV004721427.1).
Genomic context (GRCh38, chr17:58,724,119, plus strand): 5'-TGCTACAATACGGCTAATCTTTCATTGGGACCGAAAGCAAAGGTCAGTACAGAAACAAGT[T>TTCGGAAAATAACTCCGAATAACAATATTCGGAA]AATAACTCCGAATATTGGGTTAATTATACTGAATGAACACTTACAGGTTTCTTAGAGCTA-3'

ClinVar aggregate classification (germline): Uncertain significance (1 of 4 stars; one submission).

Conditions:
Fanconi anemia complementation group O. Also called: RAD51C-Related Fanconi Anemia. Identifiers: Orphanet 84, MedGen C3150653, MONDO:0013248, OMIM 613390.

Submission:

Labcorp Genetics (formerly Invitae), Labcorp
Classification: Uncertain significance for Fanconi anemia complementation group O. Last evaluated: 2025-06-15. Review status: criteria provided, single submitter. Criteria: Invitae Variant Classification Sherloc (09022015). Collection method: clinical testing. Allele origin: germline.
Comment: This sequence change falls in intron 7 of the RAD51C gene. It does not directly change the encoded amino acid sequence of the RAD51C protein. This variant is not present in population databases (gnomAD no frequency). This variant has not been reported in the literature in individuals affected with RAD51C-related conditions. Studies have shown that this variant is associated with inconclusive levels of altered splicing (internal data). In summary, the available evidence is currently insufficient to determine the role of this variant in disease. Therefore, it has been classified as a Variant of Uncertain Significance.